The following is an entry in ClinVar:

NM_000143.4(FH):c.864C>T (p.Gly288=)

Gene: FH (fumarate hydratase; minus strand). Cytogenetic location: 1q43.
Variant type: single nucleotide variant.
Coding change: c.864C>T on transcript NM_000143.4 (MANE Select); coding-DNA position 864, C replaced by T.
Protein change: p.Gly288=; no amino-acid change (glycine 288 retained).
Molecular consequence: synonymous variant.
Genome position (GRCh38, 1-based): chr1:241,506,043, G>A on the plus strand (C>T on the coding strand, the complement: FH is on the minus strand). VCF-style: chr1-241506043-G-A. GRCh37 (hg19) VCF-style: chr1-241669343-G-A.
Identifiers: ClinVar variation 2827083 (VCV002827083.4), dbSNP rs1208038814, ClinGen allele CA424075904.

ClinVar aggregate classification (germline): Benign/Likely benign. Review status: criteria provided, multiple submitters, no conflicts (2 of 4 stars). 2 submissions from 2 submitters: Benign (1); Likely benign (1). Last evaluated 2024-10-18.

Conditions:
Hereditary leiomyomatosis and renal cell cancer. Also called: MULTIPLE CUTANEOUS AND UTERINE LEIOMYOMATA 1, WITH OR WITHOUT RENAL CELL CARCINOMA; LEIOMYOMA, MULTIPLE CUTANEOUS; Reed syndrome; Multiple cutaneous and uterine leiomyomatosis; Cutaneous leiomyomata with uterine leiomyomata; Leiomyoma, hereditary multiple, of skin. Identifiers: Orphanet 523, MedGen C1708350, MONDO:0007888, OMIM 150800, HP:0007437. Disease mechanism: loss of function.

Submissions (2):

Myriad Genetics, Inc.
Classification: Benign for Hereditary leiomyomatosis and renal cell cancer. Last evaluated: 2024-10-18. Review status: criteria provided, single submitter. Criteria: Myriad Autosomal Dominant, Autosomal Recessive and X-Linked Classification Criteria (2023). Collection method: clinical testing. Allele origin: unknown.
Comment: This variant is considered benign. This variant is a silent/synonymous amino acid change and it is not expected to impact splicing.

Labcorp Genetics (formerly Invitae), Labcorp
Classification: Likely benign. Last evaluated: 2023-01-08. Review status: criteria provided, single submitter. Criteria: Invitae Variant Classification Sherloc (09022015). Collection method: clinical testing. Allele origin: germline.